The following is an entry in ClinVar:

NM_005228.5(EGFR):c.1448C>G (p.Thr483Ser)

Gene: EGFR (epidermal growth factor receptor; plus strand). Cytogenetic location: 7p11.2.
Variant type: single nucleotide variant.
Coding change: c.1448C>G on transcript NM_005228.5 (MANE Select); coding-DNA position 1448, C replaced by G.
Protein change: p.Thr483Ser; replaces threonine 483 with serine.
Molecular consequence: missense variant.
Genome position (GRCh38, 1-based): chr7:55,160,288, C>G. VCF-style: chr7-55160288-C-G. GRCh37 (hg19) VCF-style: chr7-55227981-C-G.
Other names: c.1313C>G, p.Thr438Ser (NM_001346897.2, NM_001346899.2); c.1448C>G, p.Thr483Ser (NM_001346898.2, NM_201282.2, NM_201284.2); c.1289C>G, p.Thr430Ser (NM_001346900.2); c.647C>G, p.Thr216Ser (NM_001346941.2); short protein forms T216S, T430S, T438S, T483S.
Identifiers: ClinVar variation 1051664 (VCV001051664.9), dbSNP rs2128941646, ClinGen allele CA367579633.

ClinVar aggregate classification (germline): Uncertain significance (1 of 4 stars; one submission).

Conditions:
EGFR-related lung cancer (EGFR). Identifiers: MedGen CN130014.

Submission:

Labcorp Genetics (formerly Invitae), Labcorp
Classification: Uncertain significance for EGFR-related lung cancer. Last evaluated: 2020-08-04. Review status: criteria provided, single submitter. Criteria: Invitae Variant Classification Sherloc (09022015). Collection method: clinical testing. Allele origin: germline.
Comment: Algorithms developed to predict the effect of missense changes on protein structure and function are either unavailable or do not agree on the potential impact of this missense change (SIFT: "Tolerated"; PolyPhen-2: "Possibly Damaging"; Align-GVGD: "Class C0"). In summary, the available evidence is currently insufficient to determine the role of this variant in disease. Therefore, it has been classified as a Variant of Uncertain Significance. This variant has not been reported in the literature in individuals with EGFR-related conditions. This variant is not present in population databases (ExAC no frequency). This sequence change replaces threonine with serine at codon 483 of the EGFR protein (p.Thr483Ser). The threonine residue is moderately conserved and there is a small physicochemical difference between threonine and serine.